The following is an entry in ClinVar:

ClinVar aggregate classification (germline): Pathogenic/Likely pathogenic. Review status: criteria provided, multiple submitters, no conflicts (2 of 4 stars). 6 submissions from 6 submitters: Pathogenic (2); Likely pathogenic (2). 2 of the submissions do not count toward it. Last evaluated 2025-07-06.

Conditions:
DES-related disorders.
Desmin-related myofibrillar myopathy (MFM1). Also called: Desminopathy; MYOFIBRILLAR MYOPATHY WITH ARRHYTHMOGENIC RIGHT VENTRICULAR CARDIOMYOPATHY; DESMIN-RELATED MYOPATHY WITH ARRHYTHMOGENIC RIGHT VENTRICULAR CARDIOMYOPATHY; Myofibrillar myopathy 1; Desmin related myopathy (former name); Desmin storage myopathy (former name). Identifiers: Orphanet 363543, Orphanet 98909, MedGen C1832370, MONDO:0011076, OMIM 601419.
Neurogenic scapuloperoneal syndrome, Kaeser type (SCPNK). Also called: KAESER SYNDROME. Identifiers: Orphanet 85146, MedGen C1867005, MONDO:0008407, OMIM 181400.

Submissions (6):

GeneDx
Classification: Pathogenic. Last evaluated: 2025-07-06. Review status: criteria provided, single submitter. Criteria: GeneDx Variant Classification Process June 2021. Collection method: clinical testing. Allele origin: germline. Affected: yes.
Comment: Published functional studies demonstrate that the p.(N116S) variant severely impairs desmin filament formation and leads to aggresome formation in cardiac and skeletal muscle (PMID: 20829228); Not observed at significant frequency in large population cohorts (gnomAD); In silico analysis supports that this missense variant has a deleterious effect on protein structure/function; This variant is associated with the following publications: (PMID: 23639843, 22403400, 20829228, 29095814, 32458740, 31402444)

Labcorp Genetics (formerly Invitae), Labcorp
Classification: Pathogenic for Desmin-related myofibrillar myopathy. Last evaluated: 2022-11-29. Review status: criteria provided, single submitter. Criteria: Invitae Variant Classification Sherloc (09022015). Collection method: clinical testing. Allele origin: germline.
Comment: ClinVar contains an entry for this variant (Variation ID: 66411). Advanced modeling of protein sequence and biophysical properties (such as structural, functional, and spatial information, amino acid conservation, physicochemical variation, residue mobility, and thermodynamic stability) performed at Invitae indicates that this missense variant is expected to disrupt DES protein function. Experimental studies have shown that this missense change affects DES function (PMID: 20829228, 22403400). For these reasons, this variant has been classified as Pathogenic. This missense change has been observed in individual(s) with DES-related conditions (PMID: 20829228, 26676851; Invitae). In at least one individual the variant was observed to be de novo. This sequence change replaces asparagine, which is neutral and polar, with serine, which is neutral and polar, at codon 116 of the DES protein (p.Asn116Ser). This variant is not present in population databases (gnomAD no frequency).

Blueprint Genetics
Classification: Likely pathogenic for DES-related disorders. Last evaluated: 2020-08-21. Review status: criteria provided, single submitter. Criteria: ACMG Guidelines, 2015. Collection method: clinical testing. Allele origin: germline. Affected: yes. Observed: 2 variant alleles.

Laboratory for Molecular Medicine, Mass General Brigham Personalized Medicine
Classification: Likely pathogenic for Desmin-related myofibrillar myopathy. Last evaluated: 2014-03-05. Review status: criteria provided, single submitter. Criteria: LMM Criteria. Collection method: clinical testing. Allele origin: germline. Inheritance: Autosomal dominant inheritance. Observed: 1 variant allele.
Comment: Data from large population studies is insufficient to assess the frequency of this va riant. Functional studies have shown that the Asn116Ser variant impacts protein function (Klauke 2010, Brodehl 2012). However, these in vitro assays may not acc urately represent biological function. Computational prediction tools and conser vation analysis suggest that this variant may impact the protein, though this in formation is not predictive enough to determine pathogenicity. In summary, this variant is likely to be pathogenic, though additional studies are required to fu lly establish its clinical significance.

Solve-RD Consortium
Classification: Likely pathogenic for Neurogenic scapuloperoneal syndrome, Kaeser type. Last evaluated: 2022-06-01. Review status: no assertion criteria provided. Collection method: provider interpretation. Allele origin: inherited. Affected: yes. Not counted in ClinVar's aggregate classification.
Comment: Variant confirmed as disease-causing by referring clinical team

Variant identified during reanalysis of unsolved cases by the Solve-RD project. The Solve-RD project has received funding from the European Union’s Horizon 2020 research and innovation programme under grant agreement No 779257.

Epithelial Biology;  Institute of Medical Biology, Singapore
No classification provided. Review status: no classification provided. Collection method: not provided. Allele origin: not provided. Not counted in ClinVar's aggregate classification.

Literature cited by the submitters: PubMed 20829228 (cited by Labcorp Genetics (formerly Invitae), Labcorp and Laboratory for Molecular Medicine, Mass General Brigham Personalized Medicine); PubMed 22403400 (cited by Labcorp Genetics (formerly Invitae), Labcorp and Laboratory for Molecular Medicine, Mass General Brigham Personalized Medicine); PubMed 26676851 (cited by Labcorp Genetics (formerly Invitae), Labcorp); PubMed 39825153 (cited by Solve-RD Consortium).

NM_001927.4(DES):c.347A>G (p.Asn116Ser)

Gene: DES (desmin; plus strand). Cytogenetic location: 2q35.
Variant type: single nucleotide variant.
Coding change: c.347A>G on transcript NM_001927.4 (MANE Select); coding-DNA position 347, A replaced by G.
Protein change: p.Asn116Ser; replaces asparagine 116 with serine.
Molecular consequence: missense variant.
Genome position (GRCh38, 1-based): chr2:219,418,809, A>G. VCF-style: chr2-219418809-A-G. GRCh37 (hg19) VCF-style: chr2-220283531-A-G.
Other names: short protein forms N116S.
Identifiers: ClinVar variation 66411 (VCV000066411.19), dbSNP rs267607499, ClinGen allele CA217067.
Genomic context (GRCh38, chr2:219,418,809, plus strand): 5'-CGGTGAACCAGGAGTTTCTGACCACGCGCACCAACGAGAAGGTGGAGCTGCAGGAGCTCA[A>G]TGACCGCTTCGCCAACTACATCGAGAAGGTGCGCTTCCTGGAGCAGCAGAACGCGGCGCT-3'
Protein context (NP_001918.3, residues 106-126): TNEKVELQEL[Asn116Ser]DRFANYIEKV